The following is an entry in ClinVar:

NM_001348800.3(ZBTB20):c.1676C>T (p.Pro559Leu)

Gene: ZBTB20 (zinc finger and BTB domain containing 20; minus strand). Cytogenetic location: 3q13.31.
Variant type: single nucleotide variant.
Coding change: c.1676C>T on transcript NM_001348800.3 (MANE Select); coding-DNA position 1676, C replaced by T.
Protein change: p.Pro559Leu; replaces proline 559 with leucine.
Molecular consequence: missense variant.
Genome position (GRCh38, 1-based): chr3:114,350,402, G>A on the plus strand (C>T on the coding strand, the complement: ZBTB20 is on the minus strand). VCF-style: chr3-114350402-G-A. GRCh37 (hg19) VCF-style: chr3-114069249-G-A.
Other names: c.1676C>T, p.Pro559Leu (NM_001164342.2, NM_001348803.3, NM_001393393.1 and 1 more transcripts); c.1457C>T, p.Pro486Leu (NM_001164343.2, NM_001164344.4, NM_001164345.4 and 9 more transcripts); short protein forms P486L, P559L.
Identifiers: ClinVar variation 4692184 (VCV004692184.1).

ClinVar aggregate classification (germline): Uncertain significance (1 of 4 stars; one submission).

gnomAD v4.1: 2 of 1,614,188 alleles (0.00012%); highest among the groups gnomAD compares: Middle Eastern, 0.016%; no homozygotes.

Submission:

Labcorp Genetics (formerly Invitae), Labcorp
Classification: Uncertain significance. Last evaluated: 2025-08-22. Review status: criteria provided, single submitter. Criteria: Invitae Variant Classification Sherloc (09022015). Collection method: clinical testing. Allele origin: germline.
Comment: This sequence change replaces proline, which is neutral and non-polar, with leucine, which is neutral and non-polar, at codon 559 of the ZBTB20 protein (p.Pro559Leu). This variant is present in population databases (rs767311470, gnomAD 0.0009%). This variant has not been reported in the literature in individuals affected with ZBTB20-related conditions. Invitae Evidence Modeling of protein sequence and biophysical properties (such as structural, functional, and spatial information, amino acid conservation, physicochemical variation, residue mobility, and thermodynamic stability) indicates that this missense variant is not expected to disrupt ZBTB20 protein function with a negative predictive value of 95%. In summary, the available evidence is currently insufficient to determine the role of this variant in disease. Therefore, it has been classified as a Variant of Uncertain Significance.